The following is an entry in ClinVar:

ClinVar aggregate classification (germline): Uncertain significance (1 of 4 stars; one submission).

Submission:

Labcorp Genetics (formerly Invitae), Labcorp
Classification: Uncertain significance. Last evaluated: 2021-05-12. Review status: criteria provided, single submitter. Criteria: Invitae Variant Classification Sherloc (09022015). Collection method: clinical testing. Allele origin: germline.
Comment: This sequence change replaces cysteine with tyrosine at codon 379 of the CHUK protein (p.Cys379Tyr). The cysteine residue is weakly conserved and there is a large physicochemical difference between cysteine and tyrosine. This variant is not present in population databases (ExAC no frequency). This variant has not been reported in the literature in individuals with CHUK-related conditions. Algorithms developed to predict the effect of missense changes on protein structure and function are either unavailable or do not agree on the potential impact of this missense change (SIFT: "Not Available"; PolyPhen-2: "Benign"; Align-GVGD: "Not Available"). In summary, the available evidence is currently insufficient to determine the role of this variant in disease. Therefore, it has been classified as a Variant of Uncertain Significance.

NM_001278.5(CHUK):c.1136G>A (p.Cys379Tyr)

Gene: CHUK (component of inhibitor of nuclear factor kappa B kinase complex; minus strand). Cytogenetic location: 10q24.31.
Variant type: single nucleotide variant.
Coding change: c.1136G>A on transcript NM_001278.5 (MANE Select); coding-DNA position 1136, G replaced by A.
Protein change: p.Cys379Tyr; replaces cysteine 379 with tyrosine.
Molecular consequence: missense variant.
Genome position (GRCh38, 1-based): chr10:100,207,325, C>T on the plus strand (G>A on the coding strand, the complement: CHUK is on the minus strand). VCF-style: chr10-100207325-C-T. GRCh37 (hg19) VCF-style: chr10-101967082-C-T.
Other names: c.1136G>A, p.Cys379Tyr (NM_001320928.2); short protein forms C379Y.
Identifiers: ClinVar variation 1353145 (VCV001353145.6), dbSNP rs2134225633, ClinGen allele CA378152527.